The following is an entry in ClinVar:

ClinVar aggregate classification (germline): Uncertain significance (1 of 4 stars; one submission).

Allele frequency attached by ClinVar (database versions not stated): gnomAD exomes below 0.00001; ExAC 0.00001; gnomAD 0.00003; TOPMed 0.00003.
gnomAD v4.1: 7 of 1,613,924 alleles (0.00043%); highest among the groups gnomAD compares: African/African-American, 0.008%; no homozygotes.

Submission:

Ambry Genetics
Classification: Uncertain significance. Last evaluated: 2022-05-09. Review status: criteria provided, single submitter. Criteria: Ambry Variant Classification Scheme 2023. Collection method: clinical testing. Allele origin: germline.
Comment: The p.E227Q variant (also known as c.679G>C), located in coding exon 5 of the CTNNA3 gene, results from a G to C substitution at nucleotide position 679. The glutamic acid at codon 227 is replaced by glutamine, an amino acid with highly similar properties. This amino acid position is conserved. In addition, this alteration is predicted to be tolerated by in silico analysis. Since supporting evidence is limited at this time, the clinical significance of this alteration remains unclear.

NM_013266.4(CTNNA3):c.679G>C (p.Glu227Gln)

Gene: CTNNA3 (catenin alpha 3; minus strand). Cytogenetic location: 10q21.3.
Variant type: single nucleotide variant.
Coding change: c.679G>C on transcript NM_013266.4 (MANE Select); coding-DNA position 679, G replaced by C.
Protein change: p.Glu227Gln; replaces glutamic acid 227 with glutamine.
Molecular consequence: missense variant.
Genome position (GRCh38, 1-based): chr10:67,219,771, C>G on the plus strand (G>C on the coding strand, the complement: CTNNA3 is on the minus strand). VCF-style: chr10-67219771-C-G. GRCh37 (hg19) VCF-style: chr10-68979529-C-G.
Other names: c.679G>C, p.Glu227Gln (NM_001127384.3); c.715G>C, p.Glu239Gln (NM_001291133.2); short protein forms E227Q, E239Q.
Identifiers: ClinVar variation 1755493 (VCV001755493.2), dbSNP rs769826378, ClinGen allele CA5520519.
Genomic context (GRCh38, chr10:67,219,771, plus strand): 5'-TCTGAATTTCTTCACAAACTGTGTCCTTGCTTGCTTTGAGGGAAGCAACATCAGAATGCT[C>G]CAAACAAGCTGAACAAATTGAATGCAAGAGGGGAGAGTTCTCCTTCAGTGAAGCTCGGGC-3'
Protein context (NP_037398.2, residues 217-237): LLHSICSACL[Glu227Gln]HSDVASLKAS